The following is an entry in ClinVar:

ClinVar aggregate classification (germline): Likely benign. Review status: criteria provided, multiple submitters, no conflicts (2 of 4 stars). 2 submissions from 2 submitters: Likely benign (2). Last evaluated 2025-03-28.

Conditions:
Peutz-Jeghers syndrome (PJS). Also called: Peutz-Jeghers polyposis; Periorificial lentiginosis syndrome; POLYPOSIS, HAMARTOMATOUS INTESTINAL; POLYPS-AND-SPOTS SYNDROME. Identifiers: Orphanet 2869, MedGen C0031269, MeSH D010580, MONDO:0008280, OMIM 175200.

gnomAD v4.1: 1 of 1,607,326 alleles (0.000062%); highest among the groups gnomAD compares: African/African-American, 0.0013%; no homozygotes.

Submissions (2):

Myriad Genetics, Inc.
Classification: Likely benign for Peutz-Jeghers syndrome. Last evaluated: 2025-03-28. Review status: criteria provided, single submitter. Criteria: Myriad Autosomal Dominant, Autosomal Recessive and X-Linked Classification Criteria (2023). Collection method: clinical testing. Allele origin: unknown.
Comment: This variant is considered likely benign. This variant is intronic and is not expected to impact mRNA splicing.

Labcorp Genetics (formerly Invitae), Labcorp
Classification: Likely benign for Peutz-Jeghers syndrome. Last evaluated: 2025-03-24. Review status: criteria provided, single submitter. Criteria: Invitae Variant Classification Sherloc (09022015). Collection method: clinical testing. Allele origin: germline.

NM_000455.5(STK11):c.1109-19C>T

Gene: STK11 (serine/threonine kinase 11; plus strand). Cytogenetic location: 19p13.3.
Variant type: single nucleotide variant.
Coding change: c.1109-19C>T on transcript NM_000455.5 (MANE Select); 19 bases into the intron before coding-DNA position 1109, C replaced by T.
Molecular consequence: intron variant.
Genome position (GRCh38, 1-based): chr19:1,226,435, C>T. VCF-style: chr19-1226435-C-T. GRCh37 (hg19) VCF-style: chr19-1226434-C-T.
Identifiers: ClinVar variation 1937509 (VCV001937509.6), dbSNP rs2512954529, ClinGen allele CA2576546742.